The following is an entry in ClinVar:

NM_020759.3(STARD9):c.3896_3913del (p.1287LQPHCE[2])

Gene: STARD9 (StAR related lipid transfer domain containing 9; plus strand). Cytogenetic location: 15q15.2.
Variant type: Deletion.
Coding change: c.3896_3913del on transcript NM_020759.3 (MANE Select); coding-DNA positions 3896 to 3913, 18 bases deleted (TCCAGCCCCATTGTGAGC).
Protein change: p.1287LQPHCE[2].
Genome position (GRCh38, 1-based): chr15:42,685,474-42,685,491, TCCAGCCCCATTGTGAGC deleted; deleting any 18 consecutive bases within chr15:42,685,461-42,685,491 gives the same sequence; the c. name uses the placement nearest the transcript's 3' end. VCF-style (leftmost placement, unchanged base first): chr15-42685460-ACCCCATTGTGAGCTCCAG-A. GRCh37 (hg19) VCF-style: chr15-42977658-ACCCCATTGTGAGCTCCAG-A.
Identifiers: ClinVar variation 3033845 (VCV003033845.2), dbSNP rs767293399, ClinGen allele CA7514287.

ClinVar aggregate classification (germline): Likely benign (0 of 4 stars; one submission).

Conditions:
STARD9-related disorder. Also called: STARD9-related condition.

Submission:

PreventionGenetics, part of Exact Sciences
Classification: Likely benign for STARD9-related condition. Last evaluated: 2022-02-18. Review status: no assertion criteria provided. Collection method: clinical testing. Allele origin: germline.
Comment: This variant is classified as likely benign based on ACMG/AMP sequence variant interpretation guidelines (Richards et al. 2015 PMID: 25741868, with internal and published modifications).